The following is an entry in ClinVar:

NM_152393.4(KLHL40):c.1601A>G (p.Asp534Gly)

Gene: KLHL40 (kelch like family member 40; plus strand). Cytogenetic location: 3p22.1.
Variant type: single nucleotide variant.
Coding change: c.1601A>G on transcript NM_152393.4 (MANE Select); coding-DNA position 1601, A replaced by G.
Protein change: p.Asp534Gly; replaces aspartic acid 534 with glycine.
Molecular consequence: missense variant.
Genome position (GRCh38, 1-based): chr3:42,689,048, A>G. VCF-style: chr3-42689048-A-G. GRCh37 (hg19) VCF-style: chr3-42730540-A-G.
Other names: short protein forms D534G.
Identifiers: ClinVar variation 1010191 (VCV001010191.5), dbSNP rs1697322389, ClinGen allele CA352295048.

ClinVar aggregate classification (germline): Uncertain significance (1 of 4 stars; one submission).

Conditions:
Nemaline myopathy 8 (NEM8). Also called: Nemaline myopathy 8, autosomal recessive. Identifiers: Orphanet 171430, MedGen C3809209, MONDO:0014138, OMIM 615348.

Allele frequency attached by ClinVar (database versions not stated): gnomAD exomes below 0.00001.
gnomAD v4.1: 1 of 1,609,872 alleles (0.000062%); highest among the groups gnomAD compares: Non-Finnish European, 0.000085%; no homozygotes.

Submission:

Labcorp Genetics (formerly Invitae), Labcorp
Classification: Uncertain significance for Nemaline myopathy 8. Last evaluated: 2020-05-10. Review status: criteria provided, single submitter. Criteria: Invitae Variant Classification Sherloc (09022015). Collection method: clinical testing. Allele origin: germline.
Comment: In summary, the available evidence is currently insufficient to determine the role of this variant in disease. Therefore, it has been classified as a Variant of Uncertain Significance. Algorithms developed to predict the effect of missense changes on protein structure and function (SIFT, PolyPhen-2, Align-GVGD) all suggest that this variant is likely to be tolerated, but these predictions have not been confirmed by published functional studies and their clinical significance is uncertain. This variant has not been reported in the literature in individuals with KLHL40-related conditions. This variant is not present in population databases (ExAC no frequency). This sequence change replaces aspartic acid with glycine at codon 534 of the KLHL40 protein (p.Asp534Gly). The aspartic acid residue is weakly conserved and there is a moderate physicochemical difference between aspartic acid and glycine.